The following is an entry in ClinVar:

NM_000268.4(NF2):c.*503C>T

Gene: NF2 (NF2, moesin-ezrin-radixin like (MERLIN) tumor suppressor; plus strand). Cytogenetic location: 22q12.2.
Variant type: single nucleotide variant.
Coding change: c.*503C>T on transcript NM_000268.4 (MANE Select); 503 bases downstream of the stop codon, C replaced by T.
Molecular consequence: 3 prime UTR variant. On other transcripts: non-coding transcript variant (1).
Genome position (GRCh38, 1-based): chr22:29,695,305, C>T. VCF-style: chr22-29695305-C-T. GRCh37 (hg19) VCF-style: chr22-30091294-C-T.
Other names: c.*563C>T (NM_016418.5, NM_181828.3, NM_181829.3 and 1 more transcripts); c.*578C>T (NM_181832.3); c.*503C>T (NM_181833.3).
Identifiers: ClinVar variation 341088 (VCV000341088.5), dbSNP rs191509325, ClinGen allele CA10645250.

ClinVar aggregate classification (germline): Benign (1 of 4 stars; one submission).

Conditions:
Neurofibromatosis, type 2 (SWNV). Also called: SCHWANNOMATOSIS, VESTIBULAR; BILATERAL ACOUSTIC NEUROFIBROMATOSIS; NF2-Related Schwannomatosis. Identifiers: Orphanet 637, MedGen C0027832, MONDO:0007039, OMIM 101000. Disease mechanism: loss of function.

Allele frequency attached by ClinVar (database versions not stated): gnomAD 0.00016 and 0.00017; TOPMed 0.00019; 1000 Genomes Project 30x 0.00047; 1000 Genomes Project 0.00080.

Submission:

Illumina Laboratory Services, Illumina
Classification: Benign for Neurofibromatosis, type 2. Last evaluated: 2018-01-13. Review status: criteria provided, single submitter. Criteria: ICSL Variant Classification Criteria 13 December 2019. Collection method: clinical testing. Allele origin: germline.
Comment: This variant was observed in the ICSL laboratory as part of a predisposition screen in an ostensibly healthy population. It had not been previously curated by ICSL or reported in the Human Gene Mutation Database (HGMD: prior to June 1st, 2018), and was therefore a candidate for classification through an automated scoring system. Utilizing variant allele frequency, disease prevalence and penetrance estimates, and inheritance mode, an automated score was calculated to assess if this variant is too frequent to cause the disease. Based on the score and internal cut-off values, a variant classified as benign is not then subjected to further curation. The score for this variant resulted in a classification of benign for this disease.